The following is an entry in ClinVar:

ClinVar aggregate classification (germline): Likely benign (0 of 4 stars; one submission).

Conditions:
ZBTB25-related disorder. Also called: ZBTB25-related condition.

Allele frequency attached by ClinVar (database versions not stated): 1000 Genomes Project 30x 0.00812; 1000 Genomes Project 0.00859; TOPMed 0.01160; ESP Exome Variant Server 0.01276; gnomAD 0.01611; ExAC 0.01826; gnomAD exomes 0.01843.

Submission:

PreventionGenetics, part of Exact Sciences
Classification: Likely benign for ZBTB25-related condition. Last evaluated: 2021-03-22. Review status: no assertion criteria provided. Collection method: clinical testing. Allele origin: germline.
Comment: This variant is classified as likely benign based on ACMG/AMP sequence variant interpretation guidelines (Richards et al. 2015 PMID: 25741868, with internal and published modifications).

NM_006977.5(ZBTB25):c.762G>A (p.Arg254=)

Gene: ZBTB25 (zinc finger and BTB domain containing 25; minus strand). Cytogenetic location: 14q23.3.
Variant type: single nucleotide variant.
Coding change: c.762G>A on transcript NM_006977.5 (MANE Select); coding-DNA position 762, G replaced by A.
Protein change: p.Arg254=; no amino-acid change (arginine 254 retained).
Molecular consequence: synonymous variant. On other transcripts: intron variant (1).
Genome position (GRCh38, 1-based): chr14:64,487,469, C>T on the plus strand (G>A on the coding strand, the complement: ZBTB25 is on the minus strand). VCF-style: chr14-64487469-C-T. GRCh37 (hg19) VCF-style: chr14-64954187-C-T.
Other names: c.762G>A, p.Arg254= (NM_001304507.1, NM_001354683.2, NM_001354684.2 and 3 more transcripts); c.879G>A, p.Arg293= (NM_001354682.2); c.173+2892G>A (NM_001304508.1).
Identifiers: ClinVar variation 3055742 (VCV003055742.2), dbSNP rs61743629, ClinGen allele CA7227041.